The following is an entry in ClinVar:

NM_001184.4(ATR):c.6443G>A (p.Arg2148Gln)

Gene: ATR (ATR checkpoint kinase; minus strand). Cytogenetic location: 3q23.
Variant type: single nucleotide variant.
Coding change: c.6443G>A on transcript NM_001184.4 (MANE Select); coding-DNA position 6443, G replaced by A.
Protein change: p.Arg2148Gln; replaces arginine 2148 with glutamine.
Molecular consequence: missense variant.
Genome position (GRCh38, 1-based): chr3:142,469,446, C>T on the plus strand (G>A on the coding strand, the complement: ATR is on the minus strand). VCF-style: chr3-142469446-C-T. GRCh37 (hg19) VCF-style: chr3-142188288-C-T.
Other names: c.6251G>A, p.Arg2084Gln (NM_001354579.2); short protein forms R2148Q, R2084Q.
Identifiers: ClinVar variation 2890225 (VCV002890225.1), dbSNP rs1470834016, ClinGen allele CA354804773.

ClinVar aggregate classification (germline): Uncertain significance (1 of 4 stars; one submission).

Allele frequency attached by ClinVar (database versions not stated): gnomAD exomes below 0.00001.
gnomAD v4.1: 7 of 1,613,754 alleles (0.00043%); highest among the groups gnomAD compares: South Asian, 0.0011%; no homozygotes.

Submission:

Labcorp Genetics (formerly Invitae), Labcorp
Classification: Uncertain significance. Last evaluated: 2023-09-30. Review status: criteria provided, single submitter. Criteria: Invitae Variant Classification Sherloc (09022015). Collection method: clinical testing. Allele origin: germline.
Comment: This sequence change replaces arginine, which is basic and polar, with glutamine, which is neutral and polar, at codon 2148 of the ATR protein (p.Arg2148Gln). This variant is present in population databases (no rsID available, gnomAD 0.003%). This variant has not been reported in the literature in individuals affected with ATR-related conditions. An algorithm developed to predict the effect of missense changes on protein structure and function (PolyPhen-2) suggests that this variant is likely to be disruptive. In summary, the available evidence is currently insufficient to determine the role of this variant in disease. Therefore, it has been classified as a Variant of Uncertain Significance.